The following is an entry in ClinVar:

ClinVar aggregate classification (germline): Pathogenic (1 of 4 stars; one submission).

Conditions:
Neurofibromatosis, type 1 (NF1). Also called: VON RECKLINGHAUSEN DISEASE; Neurofibromatosis, type I; NEUROFIBROMATOSIS, TYPE I, SOMATIC; Peripheral type neurofibromatosis. Identifiers: Orphanet 636, MedGen C0027831, MONDO:0018975, OMIM 162200. Disease mechanism: loss of function.

Submission:

MVZ Medizinische Genetik Mainz
Classification: Pathogenic for Neurofibromatosis, type 1. Last evaluated: 2024-03-19. Review status: criteria provided, single submitter. Criteria: UK Practice Guidelines For Variant Classification V4 01 2020. Collection method: clinical testing. Allele origin: germline. Inheritance: Autosomal dominant inheritance. Affected: yes. Observed: 1 variant allele.
Comment: ACMG Criteria: PVS1,PM2_SUP,PP4

NM_001042492.3(NF1):c.5808del (p.Lys1936fs)

Gene: NF1 (neurofibromin 1; plus strand). Cytogenetic location: 17q11.2.
Variant type: Deletion.
Coding change: c.5808del on transcript NM_001042492.3 (MANE Select); coding-DNA position 5808, one base deleted (A; older notation c.5808delA).
Protein change: p.Lys1936fs; shifts the reading frame from lysine 1936.
Molecular consequence: frameshift variant.
Genome position (GRCh38, 1-based): chr17:31,330,494, A deleted; the last of 3 consecutive A bases (chr17:31,330,492-31,330,494); deleting any one gives the same sequence. VCF-style (leftmost placement, unchanged base first): chr17-31330491-CA-C. GRCh37 (hg19) VCF-style: chr17-29657509-CA-C.
Other names: c.5745delA, p.Lys1915Asnfs (NM_000267.4); short protein forms K1915fs, K1936fs.
Identifiers: ClinVar variation 3256653 (VCV003256653.1).